The following is an entry in ClinVar:

NM_004260.4(RECQL4):c.35A>G (p.Gln12Arg)

Genes: RECQL4 (RecQ like helicase 4; minus strand), LOC130001411 (ATAC-STARR-seq lymphoblastoid silent region 19699; plus strand). Cytogenetic location: 8q24.3.
Variant type: single nucleotide variant.
Coding change: c.35A>G on transcript NM_004260.4 (MANE Select); coding-DNA position 35, A replaced by G.
Protein change: p.Gln12Arg; replaces glutamine 12 with arginine.
Molecular consequence: missense variant.
Genome position (GRCh38, 1-based): chr8:144,517,750, T>C on the plus strand (A>G on the coding strand, the complement: RECQL4 is on the minus strand). VCF-style: chr8-144517750-T-C. GRCh37 (hg19) VCF-style: chr8-145743134-T-C.
Other names: c.35A>G (NM_004260.3); short protein forms Q12R.
Identifiers: ClinVar variation 1021339 (VCV001021339.4), dbSNP rs905077826, ClinGen allele CA187691302.

ClinVar aggregate classification (germline): Uncertain significance. Review status: criteria provided, multiple submitters, no conflicts (2 of 4 stars). 2 submissions from 2 submitters: Uncertain significance (2). Last evaluated 2025-03-25.

Conditions:
Baller-Gerold syndrome (BGS). Also called: CRANIOSYNOSTOSIS WITH RADIAL DEFECTS. Identifiers: Orphanet 1225, MedGen C0265308, MONDO:0009039, OMIM 218600.
Inborn genetic diseases. Identifiers: MedGen C0950123, MeSH D030342.

Allele frequency attached by ClinVar (database versions not stated): gnomAD 0.00001; gnomAD exomes 0.00001 and 0.00003; TOPMed 0.00001.

Submissions (2):

Ambry Genetics
Classification: Uncertain significance for Inborn genetic diseases. Last evaluated: 2025-03-25. Review status: criteria provided, single submitter. Criteria: Ambry Variant Classification Scheme 2023. Collection method: clinical testing. Allele origin: germline.
Comment: The p.Q12R variant (also known as c.35A>G), located in coding exon 1 of the RECQL4 gene, results from an A to G substitution at nucleotide position 35. The glutamine at codon 12 is replaced by arginine, an amino acid with highly similar properties. This amino acid position is conserved. In addition, this alteration is predicted to be tolerated by in silico analysis. Based on the available evidence, the clinical significance of this variant remains unclear.

Labcorp Genetics (formerly Invitae), Labcorp
Classification: Uncertain significance for Baller-Gerold syndrome. Last evaluated: 2024-01-20. Review status: criteria provided, single submitter. Criteria: Invitae Variant Classification Sherloc (09022015). Collection method: clinical testing. Allele origin: germline.
Comment: This sequence change replaces glutamine, which is neutral and polar, with arginine, which is basic and polar, at codon 12 of the RECQL4 protein (p.Gln12Arg). The frequency data for this variant in the population databases is considered unreliable, as metrics indicate poor data quality at this position in the gnomAD database. This variant has not been reported in the literature in individuals affected with RECQL4-related conditions. ClinVar contains an entry for this variant (Variation ID: 1021339). Experimental studies and prediction algorithms are not available or were not evaluated, and the functional significance of this variant is currently unknown. In summary, the available evidence is currently insufficient to determine the role of this variant in disease. Therefore, it has been classified as a Variant of Uncertain Significance.